The following is an entry in ClinVar:

ClinVar aggregate classification (germline): Uncertain significance (1 of 4 stars; one submission).

Allele frequency attached by ClinVar (database versions not stated): ExAC 0.00001; gnomAD exomes 0.00001 and 0.00002.
gnomAD v4.1: 5 of 1,614,236 alleles (0.00031%); highest among the groups gnomAD compares: South Asian, 0.0055%; no homozygotes.

Submission:

Labcorp Genetics (formerly Invitae), Labcorp
Classification: Uncertain significance. Last evaluated: 2022-12-06. Review status: criteria provided, single submitter. Criteria: Invitae Variant Classification Sherloc (09022015). Collection method: clinical testing. Allele origin: germline.
Comment: In summary, the available evidence is currently insufficient to determine the role of this variant in disease. Therefore, it has been classified as a Variant of Uncertain Significance. This sequence change replaces glycine, which is neutral and non-polar, with valine, which is neutral and non-polar, at codon 307 of the PKLR protein (p.Gly307Val). This variant is present in population databases (rs754124936, gnomAD 0.01%). This variant has not been reported in the literature in individuals affected with PKLR-related conditions. ClinVar contains an entry for this variant (Variation ID: 1486635). Advanced modeling of protein sequence and biophysical properties (such as structural, functional, and spatial information, amino acid conservation, physicochemical variation, residue mobility, and thermodynamic stability) performed at Invitae indicates that this missense variant is not expected to disrupt PKLR protein function.

NM_000298.6(PKLR):c.920G>T (p.Gly307Val)

Gene: PKLR (pyruvate kinase L/R; minus strand). Cytogenetic location: 1q22.
Variant type: single nucleotide variant.
Coding change: c.920G>T on transcript NM_000298.6 (MANE Select); coding-DNA position 920, G replaced by T.
Protein change: p.Gly307Val; replaces glycine 307 with valine.
Molecular consequence: missense variant.
Genome position (GRCh38, 1-based): chr1:155,294,527, C>A on the plus strand (G>T on the coding strand, the complement: PKLR is on the minus strand). VCF-style: chr1-155294527-C-A. GRCh37 (hg19) VCF-style: chr1-155264318-C-A.
Other names: c.827G>T, p.Gly276Val (NM_181871.4); short protein forms G307V, G276V.
Identifiers: ClinVar variation 1486635 (VCV001486635.8), dbSNP rs754124936, ClinGen allele CA1144175.